The following is an entry in ClinVar:

ClinVar aggregate classification (germline): Conflicting classifications of pathogenicity. Review status: criteria provided, conflicting classifications (1 of 4 stars). 4 submissions from 4 submitters: Uncertain significance (3); Likely benign (1). Last evaluated 2026-03-24.

Conditions:
Hereditary cancer-predisposing syndrome. Also called: Hereditary neoplastic syndrome; Tumor predisposition; Hereditary Cancer Syndrome; Neoplastic Syndromes, Hereditary. Identifiers: Orphanet 140162, MedGen C0027672, MeSH D009386, MONDO:0015356.
Rhabdoid tumor predisposition syndrome 2 (RTPS2). Identifiers: Orphanet 231108, Orphanet 69077, MedGen C2750074, MONDO:0013224, OMIM 613325.

Allele frequency attached by ClinVar (database versions not stated): TOPMed 0.00001.
gnomAD v4.1: 14 of 1,596,738 alleles (0.00088%); highest among the groups gnomAD compares: Admixed American, 0.0017%; no homozygotes.

Submissions (4):

Dasa
Classification: Uncertain significance. Last evaluated: 2026-03-24. Review status: criteria provided, single submitter. Criteria: DASA Assertion Criteria. Collection method: clinical testing. Allele origin: germline.
Comment: NM_003072.5(SMARCA4):c.964G>A (p.Ala322Thr) is a missense variant that results in the substitution of alanine with threonine. This variant is rare in population databases. The currently available literature and clinical evidence are not sufficient to establish a definitive association between this variant and the reported condition. Therefore, this variant is classified as a variant of uncertain significance.

Labcorp Genetics (formerly Invitae), Labcorp
Classification: Uncertain significance for Rhabdoid tumor predisposition syndrome 2. Last evaluated: 2025-10-21. Review status: criteria provided, single submitter. Criteria: Invitae Variant Classification Sherloc (09022015). Collection method: clinical testing. Allele origin: germline.
Comment: This sequence change replaces alanine, which is neutral and non-polar, with threonine, which is neutral and polar, at codon 322 of the SMARCA4 protein (p.Ala322Thr). This variant is present in population databases (no rsID available, gnomAD 0.004%). This variant has not been reported in the literature in individuals affected with SMARCA4-related conditions. ClinVar contains an entry for this variant (Variation ID: 408663). Invitae Evidence Modeling of protein sequence and biophysical properties (such as structural, functional, and spatial information, amino acid conservation, physicochemical variation, residue mobility, and thermodynamic stability) indicates that this missense variant is not expected to disrupt SMARCA4 protein function with a negative predictive value of 95%. In summary, the available evidence is currently insufficient to determine the role of this variant in disease. Therefore, it has been classified as a Variant of Uncertain Significance.

Ambry Genetics
Classification: Likely benign for Hereditary cancer-predisposing syndrome. Last evaluated: 2024-04-24. Review status: criteria provided, single submitter. Criteria: Ambry Variant Classification Scheme 2023. Collection method: clinical testing. Allele origin: germline.

GeneDx
Classification: Uncertain significance. Last evaluated: 2022-03-16. Review status: criteria provided, single submitter. Criteria: GeneDx Variant Classification Process June 2021. Collection method: clinical testing. Allele origin: germline. Affected: yes.
Comment: Has not been previously published as pathogenic or benign to our knowledge; In silico analysis supports that this missense variant does not alter protein structure/function

NM_003072.5(SMARCA4):c.964G>A (p.Ala322Thr)

Gene: SMARCA4 (SWI/SNF related BAF chromatin remodeling complex subunit ATPase 4; plus strand). Cytogenetic location: 19p13.2.
Variant type: single nucleotide variant.
Coding change: c.964G>A on transcript NM_003072.5 (MANE Select); coding-DNA position 964, G replaced by A.
Protein change: p.Ala322Thr; replaces alanine 322 with threonine.
Molecular consequence: missense variant. On other transcripts: non-coding transcript variant (1).
Genome position (GRCh38, 1-based): chr19:10,987,770, G>A. VCF-style: chr19-10987770-G-A. GRCh37 (hg19) VCF-style: chr19-11098446-G-A.
Other names: c.964G>A, p.Ala322Thr (NM_001128844.3, NM_001128845.2, NM_001128846.2 and 5 more transcripts); short protein forms A322T.
Identifiers: ClinVar variation 408663 (VCV000408663.18), dbSNP rs1060502089, ClinGen allele CA16616106.